The following is an entry in ClinVar:

ClinVar aggregate classification (germline): Uncertain significance (1 of 4 stars; one submission).

Allele frequency attached by ClinVar (database versions not stated): TOPMed below 0.00001; gnomAD 0.00001.
gnomAD v4.1: 2 of 1,613,056 alleles (0.00012%); highest among the groups gnomAD compares: Non-Finnish European, 0.000085%; no homozygotes.

Submission:

GeneDx
Classification: Uncertain significance. Last evaluated: 2023-01-24. Review status: criteria provided, single submitter. Criteria: GeneDx Variant Classification Process June 2021. Collection method: clinical testing. Allele origin: germline. Affected: yes.
Comment: Not observed at significant frequency in large population cohorts (gnomAD); In silico analysis supports that this missense variant does not alter protein structure/function; Has not been previously published as pathogenic or benign to our knowledge

NM_024757.5(EHMT1):c.353C>G (p.Ser118Cys)

Gene: EHMT1 (euchromatic histone lysine methyltransferase 1; plus strand). Cytogenetic location: 9q34.3.
Variant type: single nucleotide variant.
Coding change: c.353C>G on transcript NM_024757.5 (MANE Select); coding-DNA position 353, C replaced by G.
Protein change: p.Ser118Cys; replaces serine 118 with cysteine.
Molecular consequence: missense variant.
Genome position (GRCh38, 1-based): chr9:137,716,893, C>G. VCF-style: chr9-137716893-C-G. GRCh37 (hg19) VCF-style: chr9-140611345-C-G.
Other names: c.353C>G, p.Ser118Cys (NM_001145527.2, NM_001354263.2, NM_001354611.2); c.260C>G, p.Ser87Cys (NM_001354259.2, NM_001354612.2); short protein forms S118C, S87C.
Identifiers: ClinVar variation 2573903 (VCV002573903.1), dbSNP rs1412668444, ClinGen allele CA375764558.
Genomic context (GRCh38, chr9:137,716,893, plus strand): 5'-AAAGAGACTCAGAAGCGGCGAAGCAAAACCACGTCACTGCCGACGACTTTGTGCAGACTT[C>G]TGTCATCGGCAGCAACGGATACATCTTAAATAAGCCGGCCCTACAGGCACAGCCCTTGAG-3'
Protein context (NP_079033.4, residues 108-128): HVTADDFVQT[Ser118Cys]VIGSNGYILN